The following is an entry in ClinVar:

ClinVar aggregate classification (germline): Benign (1 of 4 stars; one submission).

Allele frequency attached by ClinVar (database versions not stated): 1000 Genomes Project 0.05252; gnomAD 0.05459 and 0.05522; 1000 Genomes Project 30x 0.05528; TOPMed 0.05891; gnomAD exomes 0.06187.
gnomAD v4.1: 32,301 of 539,470 alleles (6%); highest among the groups gnomAD compares: Admixed American, 15%; 1,330 homozygotes.

Submission:

GeneDx
Classification: Benign. Last evaluated: 2018-06-14. Review status: criteria provided, single submitter. Criteria: GeneDx Variant Classification (06012015). Collection method: clinical testing. Allele origin: germline. Affected: yes.
Comment: This variant is considered likely benign or benign based on one or more of the following criteria: it is a conservative change, it occurs at a poorly conserved position in the protein, it is predicted to be benign by multiple in silico algorithms, and/or has population frequency not consistent with disease.

NM_013352.4(DSE):c.911-229G>A

Gene: DSE (dermatan sulfate epimerase; plus strand). Cytogenetic location: 6q22.1.
Variant type: single nucleotide variant.
Coding change: c.911-229G>A on transcript NM_013352.4 (MANE Select); 229 bases into the intron before coding-DNA position 911, G replaced by A.
Molecular consequence: intron variant.
Genome position (GRCh38, 1-based): chr6:116,433,114, G>A. VCF-style: chr6-116433114-G-A. GRCh37 (hg19) VCF-style: chr6-116754277-G-A.
Other names: c.911-229G>A (NM_001322937.2, NM_001322938.2, NM_001080976.3); c.350-229G>A (NM_001322940.2, NM_001322941.2); c.968-229G>A (NM_001322939.2); c.910+1921G>A (NM_001322944.2); c.671-2473G>A (NM_001322943.2).
Identifiers: ClinVar variation 678582 (VCV000678582.1), dbSNP rs3213531, ClinGen allele CA145883959.